The following is an entry in ClinVar:

NM_001003800.2(BICD2):c.2240G>T (p.Arg747Leu)

Gene: BICD2 (BICD cargo adaptor 2; minus strand). Cytogenetic location: 9q22.31.
Variant type: single nucleotide variant.
Coding change: c.2240G>T on transcript NM_001003800.2 (MANE Select); coding-DNA position 2240, G replaced by T.
Protein change: p.Arg747Leu; replaces arginine 747 with leucine.
Molecular consequence: missense variant.
Genome position (GRCh38, 1-based): chr9:92,717,815, C>A on the plus strand (G>T on the coding strand, the complement: BICD2 is on the minus strand). VCF-style: chr9-92717815-C-A. GRCh37 (hg19) VCF-style: chr9-95480097-C-A.
Other names: c.2240G>T, p.Arg747Leu (NM_015250.4); short protein forms R747L.
Identifiers: ClinVar variation 2030246 (VCV002030246.5), dbSNP rs878944571, ClinGen allele CA374032354.

ClinVar aggregate classification (germline): Conflicting classifications of pathogenicity. Review status: criteria provided, conflicting classifications (1 of 4 stars). 2 submissions from 2 submitters: Pathogenic (1); Uncertain significance (1). Last evaluated 2024-04-04.

Conditions:
Autosomal dominant childhood-onset proximal spinal muscular atrophy with contractures (SMALED2A). Also called: SPINAL MUSCULAR ATROPHY, LOWER EXTREMITY-PREDOMINANT, 2A, CHILDHOOD ONSET, AUTOSOMAL DOMINANT; Spinal muscular atrophy, lower extremity-predominant, 2A, autosomal dominant. Identifiers: Orphanet 363447, Orphanet 363454, MedGen C4747715, MONDO:0014121, OMIM 615290.

Submissions (2):

Genomic Medicine Center of Excellence, King Faisal Specialist Hospital and Research Centre
Classification: Uncertain significance for Autosomal dominant childhood-onset proximal spinal muscular atrophy with contractures. Last evaluated: 2024-04-04. Review status: criteria provided, single submitter. Criteria: ACMG Guidelines, 2015. Collection method: clinical testing. Allele origin: germline.

Labcorp Genetics (formerly Invitae), Labcorp
Classification: Pathogenic for Autosomal dominant childhood-onset proximal spinal muscular atrophy with contractures. Last evaluated: 2023-04-24. Review status: criteria provided, single submitter. Criteria: Invitae Variant Classification Sherloc (09022015). Collection method: clinical testing. Allele origin: germline.
Comment: This sequence change replaces arginine, which is basic and polar, with leucine, which is neutral and non-polar, at codon 747 of the BICD2 protein (p.Arg747Leu). For these reasons, this variant has been classified as Pathogenic. This variant disrupts the p.Arg747 amino acid residue in BICD2. Other variant(s) that disrupt this residue have been determined to be pathogenic (PMID: 24336790; Invitae). This suggests that this residue is clinically significant, and that variants that disrupt this residue are likely to be disease-causing. Advanced modeling of protein sequence and biophysical properties (such as structural, functional, and spatial information, amino acid conservation, physicochemical variation, residue mobility, and thermodynamic stability) performed at Invitae indicates that this missense variant is expected to disrupt BICD2 protein function. ClinVar contains an entry for this variant (Variation ID: 2030246). This missense change has been observed in individual(s) with clinical features of BICD2-related conditions (Invitae). In at least one individual the variant was observed to be de novo. This variant is not present in population databases (gnomAD no frequency).

Literature cited by the submitters: PubMed 24336790 (cited by Labcorp Genetics (formerly Invitae), Labcorp).